The following is an entry in ClinVar:

NM_000081.4(LYST):c.904_905delinsAA (p.Leu302Lys)

Gene: LYST (lysosomal trafficking regulator; minus strand). Cytogenetic location: 1q42.3.
Variant type: Indel.
Coding change: c.904_905delinsAA on transcript NM_000081.4 (MANE Select); coding-DNA positions 904 to 905, CT replaced by AA.
Protein change: p.Leu302Lys; replaces leucine 302 with lysine.
Molecular consequence: missense variant.
Genome position (GRCh38, 1-based): chr1:235,809,913-235,809,914, AG replaced by TT on the plus strand (CT replaced by AA on the coding strand, the reverse complement: LYST is on the minus strand). VCF-style: chr1-235809913-AG-TT. GRCh37 (hg19) VCF-style: chr1-235973213-AG-TT.
Other names: c.904_905delinsAA, p.Leu302Lys (NM_001301365.1); short protein forms L302K.
Identifiers: ClinVar variation 1056293 (VCV001056293.7), dbSNP rs2527123407, ClinGen allele CA2499214567.
Genomic context (GRCh38, chr1:235,809,913, plus strand): 5'-AAAGCCACCGGTTCTTCGGTCCAACCTGCAGAAACTACTCGACTCTCCAAGTTGTCGCTC[AG>TT]ACTGCAGCAGTCCCCAAAGCCTGCTAGGAATTCAGTTAGTGTGGGCACTACACTGGCTGC-3'
Protein context (NP_000072.2, residues 292-312): FLAGFGDCCS[Leu302Lys]SDNLESRVVS

ClinVar aggregate classification (germline): Uncertain significance (1 of 4 stars; one submission).

Conditions:
Chédiak-Higashi syndrome (CHS). Also called: Chediak-Higashi Syndrome. Identifiers: Orphanet 167, MedGen C0007965, MONDO:0008963, OMIM 214500.

Submission:

Labcorp Genetics (formerly Invitae), Labcorp
Classification: Uncertain significance for Chédiak-Higashi syndrome. Last evaluated: 2025-01-27. Review status: criteria provided, single submitter. Criteria: Invitae Variant Classification Sherloc (09022015). Collection method: clinical testing. Allele origin: germline.
Comment: This sequence change replaces leucine, which is neutral and non-polar, with lysine, which is basic and polar, at codon 302 of the LYST protein (p.Leu302Lys). Information on the frequency of this variant in the gnomAD database is not available, as this variant may be reported differently in the database. This variant has not been reported in the literature in individuals affected with LYST-related conditions. Invitae Evidence Modeling of protein sequence and biophysical properties (such as structural, functional, and spatial information, amino acid conservation, physicochemical variation, residue mobility, and thermodynamic stability) indicates that this missense variant is not expected to disrupt LYST protein function with a negative predictive value of 80%. In summary, the available evidence is currently insufficient to determine the role of this variant in disease. Therefore, it has been classified as a Variant of Uncertain Significance.